The following is an entry in ClinVar:

NM_001271938.2(MEGF8):c.7269+19G>A

Gene: MEGF8 (multiple EGF like domains 8; plus strand). Cytogenetic location: 19q13.2.
Variant type: single nucleotide variant.
Coding change: c.7269+19G>A on transcript NM_001271938.2 (MANE Select); 19 bases into the intron after coding-DNA position 7269, G replaced by A.
Molecular consequence: intron variant.
Genome position (GRCh38, 1-based): chr19:42,371,501, G>A. VCF-style: chr19-42371501-G-A. GRCh37 (hg19) VCF-style: chr19-42875653-G-A.
Other names: c.7068+19G>A (NM_001410.3).
Identifiers: ClinVar variation 2024597 (VCV002024597.4), dbSNP rs2514350927, ClinGen allele CA2580097357.
Genomic context (GRCh38, chr19:42,371,501, plus strand): 5'-GGCAGCTCCCCCAGTGACCGTCGAGACTGCTACAAGTACCAGGTGCGGCTGCAGAAGCTA[G>A]TGGTGGGCCGAGGGCCCTACACCTTGTGGAGGTCAGGGCTGGGATGAGGTAGCCAGGCTC-3'

ClinVar aggregate classification (germline): Uncertain significance (1 of 4 stars; one submission).

Conditions:
MEGF8-related Carpenter syndrome. Also called: Carpenter syndrome 2. Identifiers: Orphanet 65759, MedGen C3554247, MONDO:0013998, OMIM 614976.

Submission:

Labcorp Genetics (formerly Invitae), Labcorp
Classification: Uncertain significance for MEGF8-related Carpenter syndrome. Last evaluated: 2022-08-19. Review status: criteria provided, single submitter. Criteria: Invitae Variant Classification Sherloc (09022015). Collection method: clinical testing. Allele origin: germline.
Comment: In summary, the available evidence is currently insufficient to determine the role of this variant in disease. Therefore, it has been classified as a Variant of Uncertain Significance. Algorithms developed to predict the effect of sequence changes on RNA splicing suggest that this variant may create or strengthen a splice site. This variant has not been reported in the literature in individuals affected with MEGF8-related conditions. This variant is not present in population databases (gnomAD no frequency). This sequence change falls in intron 40 of the MEGF8 gene. It does not directly change the encoded amino acid sequence of the MEGF8 protein.